The following is an entry in ClinVar:

ClinVar aggregate classification (germline): Uncertain significance (1 of 4 stars; one submission).

Conditions:
Pulmonary fibrosis and/or bone marrow failure, Telomere-related, 3. Also called: PULMONARY FIBROSIS AND/OR BONE MARROW FAILURE SYNDROME, TELOMERE-RELATED, 3. Identifiers: Orphanet 2032, MedGen C4225346, MONDO:0014613, OMIM 616373.
Dyskeratosis congenita, autosomal recessive 5 (DKCB5). Identifiers: MedGen C3554656, MONDO:0014076, OMIM 615190.

Submission:

Labcorp Genetics (formerly Invitae), Labcorp
Classification: Uncertain significance for Dyskeratosis congenita, autosomal recessive 5; Pulmonary fibrosis and/or bone marrow failure, Telomere-related, 3. Last evaluated: 2020-03-09. Review status: criteria provided, single submitter. Criteria: Invitae Variant Classification Sherloc (09022015). Collection method: clinical testing. Allele origin: germline.
Comment: This sequence change replaces aspartic acid with glutamic acid at codon 1038 of the RTEL1 protein (p.Asp1038Glu). The aspartic acid residue is weakly conserved and there is a small physicochemical difference between aspartic acid and glutamic acid. This variant is not present in population databases (ExAC no frequency). This variant has not been reported in the literature in individuals with RTEL1-related conditions. Algorithms developed to predict the effect of missense changes on protein structure and function output the following: SIFT: "Tolerated"; PolyPhen-2: "Benign"; Align-GVGD: "Class C0". The glutamic acid amino acid residue is found in multiple mammalian species, suggesting that this missense change does not adversely affect protein function. These predictions have not been confirmed by published functional studies and their clinical significance is uncertain. In summary, the available evidence is currently insufficient to determine the role of this variant in disease. Therefore, it has been classified as a Variant of Uncertain Significance.

NM_001283009.2(RTEL1):c.3114C>A (p.Asp1038Glu)

Genes: RTEL1 (regulator of telomere elongation helicase 1; plus strand), RTEL1-TNFRSF6B (RTEL1-TNFRSF6B readthrough (NMD candidate); plus strand). Cytogenetic location: 20q13.33.
Variant type: single nucleotide variant.
Coding change: c.3114C>A on transcript NM_001283009.2 (MANE Select); coding-DNA position 3114, C replaced by A.
Protein change: p.Asp1038Glu; replaces aspartic acid 1038 with glutamic acid.
Molecular consequence: missense variant. On other transcripts: non-coding transcript variant (1).
Genome position (GRCh38, 1-based): chr20:63,694,745, C>A. VCF-style: chr20-63694745-C-A. GRCh37 (hg19) VCF-style: chr20-62326098-C-A.
Other names: c.2445C>A, p.Asp815Glu (NM_001283010.1); c.3114C>A, p.Asp1038Glu (NM_016434.4); c.3186C>A, p.Asp1062Glu (NM_032957.5); short protein forms D1038E, D1062E, D815E.
Identifiers: ClinVar variation 1013791 (VCV001013791.9), dbSNP rs746139882, ClinGen allele CA409684776.